The following is an entry in ClinVar:

ClinVar aggregate classification (germline): Uncertain significance (1 of 4 stars; one submission).

Conditions:
Pierpont syndrome (PRPTS). Identifiers: Orphanet 487825, MedGen C1865644, MONDO:0011213, OMIM 602342.

Allele frequency attached by ClinVar (database versions not stated): gnomAD 0.00001; gnomAD exomes 0.00001.

Submission:

Labcorp Genetics (formerly Invitae), Labcorp
Classification: Uncertain significance for Pierpont syndrome. Last evaluated: 2024-05-15. Review status: criteria provided, single submitter. Criteria: Invitae Variant Classification Sherloc (09022015). Collection method: clinical testing. Allele origin: germline.
Comment: This variant, c.321_338dup, results in the insertion of 6 amino acid(s) of the TBL1XR1 protein (p.Ala113_Ala118dup), but otherwise preserves the integrity of the reading frame. This variant is present in population databases (no rsID available, gnomAD 0.002%). This variant has not been reported in the literature in individuals affected with TBL1XR1-related conditions. In summary, the available evidence is currently insufficient to determine the role of this variant in disease. Therefore, it has been classified as a Variant of Uncertain Significance.

NM_024665.7(TBL1XR1):c.321_338dup (p.Ala118_Ser119insAlaAlaAlaAlaAlaAla)

Gene: TBL1XR1 (TBL1X/Y related 1; minus strand). Cytogenetic location: 3q26.32.
Variant type: Duplication.
Coding change: c.321_338dup on transcript NM_024665.7 (MANE Select); coding-DNA positions 321 to 338, 18 bases duplicated (GGCAGCAGCTGCTGCAGC).
Protein change: p.Ala118_Ser119insAlaAlaAlaAlaAlaAla.
Molecular consequence: inframe insertion.
Genome position (GRCh38, 1-based): chr3:177,051,593-177,051,610, GCTGCAGCAGCTGCTGCC duplicated on the plus strand (GGCAGCAGCTGCTGCAGC on the coding strand, the reverse complement: TBL1XR1 is on the minus strand). VCF-style (leftmost placement, unchanged base first): chr3-177051592-A-AGCTGCAGCAGCTGCTGCC. GRCh37 (hg19) VCF-style: chr3-176769380-A-AGCTGCAGCAGCTGCTGCC.
Other names: c.321_338dup, p.Ala118_Ser119insAlaAlaAlaAlaAlaAla (NM_001321193.3, NM_001321194.3, NM_001374327.1 and 2 more transcripts); c.60_77dup, p.Ala31_Ser32insAlaAlaAlaAlaAlaAla (NM_001321195.3, NM_001374330.1).
Identifiers: ClinVar variation 3004810 (VCV003004810.3), dbSNP rs1364067120, ClinGen allele CA548334902.